The following is an entry in ClinVar:

ClinVar aggregate classification (germline): Pathogenic (1 of 4 stars; one submission).

Conditions:
Tuberous sclerosis 2 (TSC2). Identifiers: Orphanet 805, MedGen C1860707, MONDO:0013199, OMIM 613254.

Submission:

Labcorp Genetics (formerly Invitae), Labcorp
Classification: Pathogenic for Tuberous sclerosis 2. Last evaluated: 2018-02-18. Review status: criteria provided, single submitter. Criteria: Invitae Variant Classification Sherloc (09022015). Collection method: clinical testing. Allele origin: germline.
Comment: For these reasons, this variant has been classified as Pathogenic. Loss-of-function variants in TSC2 are known to be pathogenic (PMID: 10205261, 17304050). This variant has not been reported in the literature in individuals with TSC2-related disease. This variant is not present in population databases (ExAC no frequency). This sequence change creates a premature translational stop signal (p.Cys256Phefs*5) in the TSC2 gene. It is expected to result in an absent or disrupted protein product.

Literature cited by the submitters: PubMed 10205261; PubMed 17304050.

NM_000548.5(TSC2):c.765_766dup (p.Cys256fs)

Gene: TSC2 (TSC complex subunit 2; plus strand). Cytogenetic location: 16p13.3.
Variant type: Duplication.
Coding change: c.765_766dup on transcript NM_000548.5 (MANE Select); coding-DNA positions 765 to 766, 2 bases duplicated (TT; older notation c.765_766dupTT).
Protein change: p.Cys256fs; shifts the reading frame from cysteine 256.
Molecular consequence: frameshift variant.
Genome position (GRCh38, 1-based): chr16:2,056,760-2,056,761, TT duplicated. VCF-style (leftmost placement, unchanged base first): chr16-2056759-C-CTT. GRCh37 (hg19) VCF-style: chr16-2106760-C-CTT.
Other names: c.765_766dupTT (NM_000548.3); c.765_766dup, p.Cys256fs (NM_001077183.3, NM_001114382.3, NM_001363528.2 and 3 more transcripts); c.654_655dup, p.Cys219fs (NM_001318827.2); c.618_619dup, p.Cys207fs (NM_001318829.2); c.165_166dup, p.Cys56fs (NM_001318831.2); c.798_799dup, p.Cys267fs (NM_001318832.2); short protein forms C267fs, C56fs, C219fs, C207fs, C256fs.
Identifiers: ClinVar variation 567376 (VCV000567376.6), dbSNP rs1567409292, ClinGen allele CA891844059.
Genomic context (GRCh38, chr16:2,056,759, plus strand): 5'-GCCTCCCGCTGTTCATCGTTACCCTCTGTCGCACCATCAACGTCAAGGAGCTCTGCGAGC[C>CTT]TTGCTGGAAGGTGGGGTTTCTGAAACTGCTCTGGAAGGTTCCTGAGAGCACATGGATGGG-3'